The following is an entry in ClinVar:

ClinVar aggregate classification (germline): Uncertain significance. Review status: criteria provided, multiple submitters, no conflicts (2 of 4 stars). 2 submissions from 2 submitters: Uncertain significance (2). Last evaluated 2024-11-11.

Conditions:
Inborn genetic diseases. Identifiers: MedGen C0950123, MeSH D030342.

Allele frequency attached by ClinVar (database versions not stated): TOPMed 0.00003; ExAC 0.00004; gnomAD 0.00004; gnomAD exomes 0.00007 and 0.00017; ESP Exome Variant Server 0.00008.
gnomAD v4.1: 245 of 1,560,772 alleles (0.016%); highest among the groups gnomAD compares: Non-Finnish European, 0.02%; no homozygotes.

Submissions (2):

GeneDx
Classification: Uncertain significance. Last evaluated: 2024-11-11. Review status: criteria provided, single submitter. Criteria: GeneDx Variant Classification Process June 2021. Collection method: clinical testing. Allele origin: germline. Affected: yes.
Comment: In silico analysis supports that this missense variant has a deleterious effect on protein structure/function; Has not been previously published as pathogenic or benign to our knowledge

Ambry Genetics
Classification: Uncertain significance for Inborn genetic diseases. Last evaluated: 2021-09-27. Review status: criteria provided, single submitter. Criteria: Ambry Variant Classification Scheme 2023. Collection method: clinical testing. Allele origin: germline.

NM_001395413.1(POR):c.1771C>G (p.Leu591Val)

Gene: POR (cytochrome p450 oxidoreductase; plus strand). Cytogenetic location: 7q11.23.
Variant type: single nucleotide variant.
Coding change: c.1771C>G on transcript NM_001395413.1 (MANE Select); coding-DNA position 1771, C replaced by G.
Protein change: p.Leu591Val; replaces leucine 591 with valine.
Molecular consequence: missense variant.
Genome position (GRCh38, 1-based): chr7:75,986,033, C>G. VCF-style: chr7-75986033-C-G. GRCh37 (hg19) VCF-style: chr7-75615351-C-G.
Other names: c.1780C>G (NM_000941.2); c.1771C>G, p.Leu591Val (NM_001367562.3, NM_001382657.2, NM_001382658.3 and 1 more transcripts); c.1825C>G, p.Leu609Val (NM_001382655.3); c.1621C>G, p.Leu541Val (NM_001382662.3); short protein forms L541V, L591V, L609V.
Identifiers: ClinVar variation 1312717 (VCV001312717.6), dbSNP rs374640808, ClinGen allele CA4304277.